The following is an entry in ClinVar:

NM_152703.5(SAMD9L):c.3579del (p.Asn1193fs)

Gene: SAMD9L (sterile alpha motif domain containing 9 like; minus strand). Cytogenetic location: 7q21.2.
Variant type: Deletion.
Coding change: c.3579del on transcript NM_152703.5 (MANE Select); coding-DNA position 3579, one base deleted (C; older notation c.3579delC).
Protein change: p.Asn1193fs; shifts the reading frame from asparagine 1193.
Molecular consequence: frameshift variant.
Genome position (GRCh38, 1-based): chr7:93,132,393, G deleted on the plus strand (C on the coding strand, the reverse complement: SAMD9L is on the minus strand). VCF-style (leftmost placement, unchanged base first): chr7-93132392-TG-T. GRCh37 (hg19) VCF-style: chr7-92761705-TG-T.
Other names: c.3579del, p.Asn1193fs (NM_001303496.3, NM_001303497.3, NM_001303498.3 and 5 more transcripts); short protein forms N1193fs.
Identifiers: ClinVar variation 2879151 (VCV002879151.3), dbSNP rs2535411160, ClinGen allele CA2578939308.

ClinVar aggregate classification (germline): Uncertain significance (1 of 4 stars; one submission).

Allele frequency attached by ClinVar (database versions not stated): gnomAD exomes below 0.00001.

Submission:

Labcorp Genetics (formerly Invitae), Labcorp
Classification: Uncertain significance. Last evaluated: 2024-10-14. Review status: criteria provided, single submitter. Criteria: Invitae Variant Classification Sherloc (09022015). Collection method: clinical testing. Allele origin: germline.
Comment: This sequence change creates a premature translational stop signal (p.Asn1193Lysfs*9) in the SAMD9L gene. While this is not anticipated to result in nonsense mediated decay, it is expected to disrupt the last 392 amino acid(s) of the SAMD9L protein. This variant is not present in population databases (gnomAD no frequency). This variant has not been reported in the literature in individuals affected with SAMD9L-related conditions. Experimental studies and prediction algorithms are not available or were not evaluated, and the functional significance of this variant is currently unknown. In summary, the available evidence is currently insufficient to determine the role of this variant in disease. Therefore, it has been classified as a Variant of Uncertain Significance.